The following is an entry in ClinVar:

NM_001048174.2(MUTYH):c.1552A>G (p.Ser518Gly)

Gene: MUTYH (mutY DNA glycosylase; minus strand). Cytogenetic location: 1p34.1.
Variant type: single nucleotide variant.
Coding change: c.1552A>G on transcript NM_001048174.2 (MANE Select); coding-DNA position 1552, A replaced by G.
Protein change: p.Ser518Gly; replaces serine 518 with glycine.
Molecular consequence: missense variant. On other transcripts: non-coding transcript variant (2).
Genome position (GRCh38, 1-based): chr1:45,329,320, T>C on the plus strand (A>G on the coding strand, the complement: MUTYH is on the minus strand). VCF-style: chr1-45329320-T-C. GRCh37 (hg19) VCF-style: chr1-45794992-T-C.
Other names: c.1552A>G, p.Ser518Gly (NM_001048171.2, NM_001048173.2, NM_001293195.2); c.1555A>G, p.Ser519Gly (NM_001048172.2); c.1636A>G, p.Ser546Gly (NM_001128425.2); c.1597A>G, p.Ser533Gly (NM_001293190.2); c.1585A>G, p.Ser529Gly (NM_001293191.2); c.1276A>G, p.Ser426Gly (NM_001293192.2, NM_001293196.2); c.1207A>G, p.Ser403Gly (NM_001350650.2, NM_001350651.2); c.1627A>G, p.Ser543Gly (NM_012222.3); short protein forms S546G, S519G, S543G, S426G, S518G, S533G, S403G, S529G.
Identifiers: ClinVar variation 480010 (VCV000480010.14), dbSNP rs1553122801, ClinGen allele CA340131507.

ClinVar aggregate classification (germline): Conflicting classifications of pathogenicity. Review status: criteria provided, conflicting classifications (1 of 4 stars). 2 submissions from 2 submitters: Uncertain significance (1); Benign (1). Last evaluated 2025-09-09.

Conditions:
Hereditary cancer-predisposing syndrome. Also called: Hereditary neoplastic syndrome; Hereditary Cancer Syndrome; Neoplastic Syndromes, Hereditary; Tumor predisposition. Identifiers: Orphanet 140162, MedGen C0027672, MeSH D009386, MONDO:0015356.
Familial adenomatous polyposis 2. Also called: MYH-associated polyposis; COLORECTAL ADENOMATOUS POLYPOSIS, AUTOSOMAL RECESSIVE; ADENOMAS, MULTIPLE COLORECTAL, AUTOSOMAL RECESSIVE; MUTYH-related attenuated familial adenomatous polyposis; Adenomas, multiple colorectal; FAP type 2. Identifiers: Orphanet 220460, Orphanet 247798, MedGen C3272841, MONDO:0012041, OMIM 608456.

Submissions (2):

Ambry Genetics
Classification: Benign for Hereditary cancer-predisposing syndrome. Last evaluated: 2025-09-09. Review status: criteria provided, single submitter. Criteria: Ambry Variant Classification Scheme 2023. Collection method: clinical testing. Allele origin: germline.

Labcorp Genetics (formerly Invitae), Labcorp
Classification: Uncertain significance for Familial adenomatous polyposis 2. Last evaluated: 2024-05-07. Review status: criteria provided, single submitter. Criteria: Invitae Variant Classification Sherloc (09022015). Collection method: clinical testing. Allele origin: germline.
Comment: This sequence change replaces serine, which is neutral and polar, with glycine, which is neutral and non-polar, at codon 546 of the MUTYH protein (p.Ser546Gly). This variant is not present in population databases (gnomAD no frequency). This variant has not been reported in the literature in individuals affected with MUTYH-related conditions. ClinVar contains an entry for this variant (Variation ID: 480010). Algorithms developed to predict the effect of missense changes on protein structure and function output the following: SIFT: "Not Available"; PolyPhen-2: "Benign"; Align-GVGD: "Not Available". The glycine amino acid residue is found in multiple mammalian species, which suggests that this missense change does not adversely affect protein function. In summary, the available evidence is currently insufficient to determine the role of this variant in disease. Therefore, it has been classified as a Variant of Uncertain Significance.